The following is an entry in ClinVar:

ClinVar aggregate classification (germline): Uncertain significance (1 of 4 stars; one submission).

gnomAD v4.1: 29 of 1,348,128 alleles (0.0022%); highest among the groups gnomAD compares: Non-Finnish European, 0.0025%; no homozygotes.

Submission:

Women's Health and Genetics/Laboratory Corporation of America, LabCorp
Classification: Uncertain significance. Last evaluated: 2026-05-19. Review status: criteria provided, single submitter. Criteria: LabCorp Variant Classification Summary - May 2015. Collection method: clinical testing. Allele origin: germline.
Comment: Variant summary: LSM11 c.428A>G (p.Asn143Ser) results in a conservative amino acid change in the encoded protein sequence. Algorithms developed to predict the effect of missense changes on protein structure and function are either unavailable or do not agree on the potential impact of this missense change. The variant allele was found at a frequency of 2.3e-05 in 42702 control chromosomes. The available data on variant occurrences in the general population are insufficient to allow any conclusion about variant significance. To our knowledge, no occurrence of c.428A>G in individuals affected with LSM11-related conditions and no experimental evidence demonstrating its impact on protein function have been reported. No submitters have cited clinical-significance assessments for this variant to ClinVar. Based on the evidence outlined above, the variant was classified as uncertain significance.

NM_173491.4(LSM11):c.428A>G (p.Asn143Ser)

Gene: LSM11 (LSM11, U7 small nuclear RNA associated; plus strand). Cytogenetic location: 5q33.3.
Variant type: single nucleotide variant.
Coding change: c.428A>G on transcript NM_173491.4 (MANE Select); coding-DNA position 428, A replaced by G.
Protein change: p.Asn143Ser; replaces asparagine 143 with serine.
Molecular consequence: missense variant.
Genome position (GRCh38, 1-based): chr5:157,744,178, A>G. VCF-style: chr5-157744178-A-G. GRCh37 (hg19) VCF-style: chr5-157171186-A-G.
Other names: short protein forms N143S.
Identifiers: ClinVar variation 4853788 (VCV004853788.1).